The following is an entry in ClinVar:

NM_014324.6(AMACR):c.749T>G (p.Leu250Arg)

Genes: C1QTNF3-AMACR (C1QTNF3-AMACR readthrough (NMD candidate); minus strand), AMACR (alpha-methylacyl-CoA racemase; minus strand). Cytogenetic location: 5p13.2.
Variant type: single nucleotide variant.
Coding change: c.749T>G on transcript NM_014324.6 (MANE Select); coding-DNA position 749, T replaced by G.
Protein change: p.Leu250Arg; replaces leucine 250 with arginine.
Molecular consequence: missense variant. On other transcripts: non-coding transcript variant (1), synonymous variant (1).
Genome position (GRCh38, 1-based): chr5:33,989,493, A>C on the plus strand (T>G on the coding strand, the complement: AMACR is on the minus strand). VCF-style: chr5-33989493-A-C. GRCh37 (hg19) VCF-style: chr5-33989598-A-C.
Other names: c.749T>G, p.Leu250Arg (NM_001167595.2); c.588T>G, p.Thr196= (NM_203382.3); short protein forms L250R.
Identifiers: ClinVar variation 1419824 (VCV001419824.4), dbSNP rs1464991426, ClinGen allele CA359399402.
Genomic context (GRCh38, chr5:33,989,493, plus strand): 5'-TTCTTCTTCATTTCTGGCCAATCATCCATGCTCATCTGATTGGGAAGTTCATCAGACTTT[A>C]GTCCAAGTCCTGAGGAAAAATACAATTTCCTAAATTATTATGCTTTGAACAGAGCAATTA-3'
Protein context (NP_055139.4, residues 240-260): FYELLIKGLG[Leu250Arg]KSDELPNQMS

ClinVar aggregate classification (germline): Uncertain significance (1 of 4 stars; one submission).

Conditions:
Alpha-methylacyl-CoA racemase deficiency (AMACRD). Also called: AMACR deficiency. Identifiers: Orphanet 79095, MedGen C3280428, MONDO:0013681, OMIM 614307. Disease mechanism: loss of function.

Allele frequency attached by ClinVar (database versions not stated): gnomAD 0.00001; TOPMed 0.00001; gnomAD exomes 0.00002.
gnomAD v4.1: 25 of 1,613,762 alleles (0.0015%); highest among the groups gnomAD compares: Non-Finnish European, 0.0021%; no homozygotes.

Submission:

Labcorp Genetics (formerly Invitae), Labcorp
Classification: Uncertain significance for Alpha-methylacyl-CoA racemase deficiency. Last evaluated: 2022-07-21. Review status: criteria provided, single submitter. Criteria: Invitae Variant Classification Sherloc (09022015). Collection method: clinical testing. Allele origin: germline.
Comment: This sequence change replaces leucine, which is neutral and non-polar, with arginine, which is basic and polar, at codon 250 of the AMACR protein (p.Leu250Arg). This variant is present in population databases (no rsID available, gnomAD 0.007%). This variant has not been reported in the literature in individuals affected with AMACR-related conditions. ClinVar contains an entry for this variant (Variation ID: 1419824). Algorithms developed to predict the effect of missense changes on protein structure and function (SIFT, PolyPhen-2, Align-GVGD) all suggest that this variant is likely to be disruptive. In summary, the available evidence is currently insufficient to determine the role of this variant in disease. Therefore, it has been classified as a Variant of Uncertain Significance.